The following is an entry in ClinVar:

ClinVar aggregate classification (germline): Conflicting classifications of pathogenicity. Review status: criteria provided, conflicting classifications (1 of 4 stars). 3 submissions from 3 submitters: Uncertain significance (1); Likely benign (2). Last evaluated 2026-02-01.

Conditions:
Oculotrichoanal syndrome (MOTA). Also called: MARLES SYNDROME; Manitoba Oculotrichoanal (MOTA) Syndrome. Identifiers: Orphanet 2717, MedGen C1855425, MONDO:0009560, OMIM 248450.

Allele frequency attached by ClinVar (database versions not stated): ExAC 0.00005; gnomAD exomes 0.00007 and 0.00008; gnomAD 0.00011 and 0.00013; TOPMed 0.00012.
gnomAD v4.1: 119 of 1,604,872 alleles (0.0074%); highest among the groups gnomAD compares: Non-Finnish European, 0.0095%; no homozygotes.

Submissions (3):

CeGaT Center for Human Genetics Tuebingen
Classification: Likely benign. Last evaluated: 2026-02-01. Review status: criteria provided, single submitter. Criteria: CeGaT Center For Human Genetics Tuebingen Variant Classification Criteria Version 2. Collection method: clinical testing. Allele origin: germline. Affected: yes. Observed: 1 variant allele.
Comment: FREM1: BP4, BP7

Labcorp Genetics (formerly Invitae), Labcorp
Classification: Likely benign. Last evaluated: 2023-01-13. Review status: criteria provided, single submitter. Criteria: Invitae Variant Classification Sherloc (09022015). Collection method: clinical testing. Allele origin: germline.

Illumina Laboratory Services, Illumina
Classification: Uncertain significance for Oculotrichoanal syndrome. Last evaluated: 2018-01-13. Review status: criteria provided, single submitter. Criteria: ICSL Variant Classification Criteria 13 December 2019. Collection method: clinical testing. Allele origin: germline.

NM_001379081.2(FREM1):c.324T>A (p.Leu108=)

Gene: FREM1 (FRAS1 related extracellular matrix 1; minus strand). Cytogenetic location: 9p22.3.
Variant type: single nucleotide variant.
Coding change: c.324T>A on transcript NM_001379081.2 (MANE Select); coding-DNA position 324, T replaced by A.
Protein change: p.Leu108=; no amino-acid change (leucine 108 retained).
Molecular consequence: synonymous variant. On other transcripts: non-coding transcript variant (4).
Genome position (GRCh38, 1-based): chr9:14,863,814, A>T on the plus strand (T>A on the coding strand, the complement: FREM1 is on the minus strand). VCF-style: chr9-14863814-A-T. GRCh37 (hg19) VCF-style: chr9-14863812-A-T.
Other names: c.324T>A, p.Leu108= (NM_001370060.1, NM_001370063.1, NM_001370065.1 and 1 more transcripts).
Identifiers: ClinVar variation 366173 (VCV000366173.13), dbSNP rs781396064, ClinGen allele CA4991623.